The following is an entry in ClinVar:

NM_152490.5(B3GALNT2):c.839A>T (p.Gln280Leu)

Gene: B3GALNT2 (beta-1,3-N-acetylgalactosaminyltransferase 2; minus strand). Cytogenetic location: 1q42.3.
Variant type: single nucleotide variant.
Coding change: c.839A>T on transcript NM_152490.5 (MANE Select); coding-DNA position 839, A replaced by T.
Protein change: p.Gln280Leu; replaces glutamine 280 with leucine.
Molecular consequence: missense variant.
Genome position (GRCh38, 1-based): chr1:235,465,638, T>A on the plus strand (A>T on the coding strand, the complement: B3GALNT2 is on the minus strand). VCF-style: chr1-235465638-T-A. GRCh37 (hg19) VCF-style: chr1-235628955-T-A.
Other names: c.962A>T, p.Gln321Leu (NM_001277155.3); short protein forms Q280L, Q321L.
Identifiers: ClinVar variation 1952982 (VCV001952982.5), dbSNP rs2527199997, ClinGen allele CA344960897.

ClinVar aggregate classification (germline): Uncertain significance (1 of 4 stars; one submission).

Conditions:
Muscular dystrophy-dystroglycanopathy (congenital with brain and eye anomalies), type a, 11 (MDDGA11). Also called: WALKER-WARBURG SYNDROME OR MUSCLE-EYE-BRAIN DISEASE, B3GALNT2-RELATED; Muscular dystrophy-dystroglycanopathy (congenital with brain and eye anomalies, type A, 11; Congenital muscular dystrophy-dystroglycanopathy with brain and eye anomalies, type A11. Identifiers: Orphanet 588, Orphanet 899, MedGen C3554638, MONDO:0014071, OMIM 615181.

Submission:

Labcorp Genetics (formerly Invitae), Labcorp
Classification: Uncertain significance for Muscular dystrophy-dystroglycanopathy (congenital with brain and eye anomalies), type a, 11. Last evaluated: 2024-02-24. Review status: criteria provided, single submitter. Criteria: Invitae Variant Classification Sherloc (09022015). Collection method: clinical testing. Allele origin: germline.
Comment: This sequence change replaces glutamine, which is neutral and polar, with leucine, which is neutral and non-polar, at codon 280 of the B3GALNT2 protein (p.Gln280Leu). This variant is not present in population databases (gnomAD no frequency). This variant has not been reported in the literature in individuals affected with B3GALNT2-related conditions. ClinVar contains an entry for this variant (Variation ID: 1952982). An algorithm developed to predict the effect of missense changes on protein structure and function (PolyPhen-2) suggests that this variant is likely to be tolerated. In summary, the available evidence is currently insufficient to determine the role of this variant in disease. Therefore, it has been classified as a Variant of Uncertain Significance.